The following is an entry in ClinVar:

NM_004736.4(XPR1):c.735T>G (p.Ile245Met)

Gene: XPR1 (xenotropic and polytropic retrovirus receptor 1; plus strand). Cytogenetic location: 1q25.3.
Variant type: single nucleotide variant.
Coding change: c.735T>G on transcript NM_004736.4 (MANE Select); coding-DNA position 735, T replaced by G.
Protein change: p.Ile245Met; replaces isoleucine 245 with methionine.
Molecular consequence: missense variant. On other transcripts: non-coding transcript variant (1).
Genome position (GRCh38, 1-based): chr1:180,811,460, T>G. VCF-style: chr1-180811460-T-G. GRCh37 (hg19) VCF-style: chr1-180780596-T-G.
Other names: c.735T>G, p.Ile245Met (NM_001135669.2, NM_001328662.2); short protein forms I245M.
Identifiers: ClinVar variation 1719031 (VCV001719031.5), dbSNP rs772043903, ClinGen allele CA343844056.
Genomic context (GRCh38, chr1:180,811,460, plus strand): 5'-TCCACAGCCTGCACCAGCATGGACTACTTTTAGAGTTGGCCTATTTTGTGGAATATTCAT[T>G]GTACTGAATATTACCCTTGTGCTTGCCGGTAAGTAGTTTAAATTTTGAATTAATTTATTC-3'
Protein context (NP_004727.2, residues 235-255): FRVGLFCGIF[Ile245Met]VLNITLVLAA

ClinVar aggregate classification (germline): Uncertain significance (1 of 4 stars; one submission).

Submission:

Labcorp Genetics (formerly Invitae), Labcorp
Classification: Uncertain significance. Last evaluated: 2022-09-15. Review status: criteria provided, single submitter. Criteria: Invitae Variant Classification Sherloc (09022015). Collection method: clinical testing. Allele origin: germline.
Comment: This sequence change replaces isoleucine, which is neutral and non-polar, with methionine, which is neutral and non-polar, at codon 245 of the XPR1 protein (p.Ile245Met). This variant is not present in population databases (gnomAD no frequency). This variant has not been reported in the literature in individuals affected with XPR1-related conditions. Advanced modeling of protein sequence and biophysical properties (such as structural, functional, and spatial information, amino acid conservation, physicochemical variation, residue mobility, and thermodynamic stability) performed at Invitae indicates that this missense variant is not expected to disrupt XPR1 protein function. In summary, the available evidence is currently insufficient to determine the role of this variant in disease. Therefore, it has been classified as a Variant of Uncertain Significance.